The following is an entry in ClinVar:

NM_020738.4(KIDINS220):c.4082C>T (p.Ser1361Leu)

Gene: KIDINS220 (kinase D interacting substrate 220; minus strand). Cytogenetic location: 2p25.1.
Variant type: single nucleotide variant.
Coding change: c.4082C>T on transcript NM_020738.4 (MANE Select); coding-DNA position 4082, C replaced by T.
Protein change: p.Ser1361Leu; replaces serine 1361 with leucine.
Molecular consequence: missense variant. On other transcripts: intron variant (6).
Genome position (GRCh38, 1-based): chr2:8,731,954, G>A on the plus strand (C>T on the coding strand, the complement: KIDINS220 is on the minus strand). VCF-style: chr2-8731954-G-A. GRCh37 (hg19) VCF-style: chr2-8872084-G-A.
Other names: c.4085C>T, p.Ser1362Leu (NM_001348729.2); c.4028C>T, p.Ser1343Leu (NM_001348731.2); c.4025C>T, p.Ser1342Leu (NM_001348732.2); c.3914C>T, p.Ser1305Leu (NM_001348734.2); c.3911C>T, p.Ser1304Leu (NM_001348735.2); c.3785C>T, p.Ser1262Leu (NM_001348736.2); c.3882+1490C>T (NM_001348741.2, NM_001348742.2, NM_001348743.2); c.3996+1490C>T (NM_001348738.2); and 2 more; short protein forms S1343L, S1305L, S1362L, S1262L, S1304L, S1342L, S1361L.
Identifiers: ClinVar variation 2997369 (VCV002997369.4), dbSNP rs1220965170, ClinGen allele CA345766166.
Genomic context (GRCh38, chr2:8,731,954, plus strand): 5'-GCCTGCACCTTATCAGTAAGCTTTGAAATTTCAATACTGGAATCCTGGGAATTGAGACTC[G>A]AAAGACTTGGGGTTCTGCGAGTTTGTGACTGTGAAGACAGAAAAAAAATAATTTAAAAAT-3'
Protein context (NP_065789.1, residues 1351-1371): QSQTRRTPSL[Ser1361Leu]SLNSQDSSIE

ClinVar aggregate classification (germline): Uncertain significance. Review status: criteria provided, single submitter (1 of 4 stars). 2 submissions from 2 submitters: Uncertain significance (1). 1 of the submissions does not count toward it. Last evaluated 2023-02-01.

Conditions:
KIDINS220-related disorder. Also called: KIDINS220-related condition.

Allele frequency attached by ClinVar (database versions not stated): gnomAD exomes 0.00001.
gnomAD v4.1: 12 of 1,596,888 alleles (0.00075%); highest among the groups gnomAD compares: Non-Finnish European, 0.00094%; no homozygotes.

Submissions (2):

Labcorp Genetics (formerly Invitae), Labcorp
Classification: Uncertain significance. Last evaluated: 2023-02-01. Review status: criteria provided, single submitter. Criteria: Invitae Variant Classification Sherloc (09022015). Collection method: clinical testing. Allele origin: germline.
Comment: This sequence change replaces serine, which is neutral and polar, with leucine, which is neutral and non-polar, at codon 1361 of the KIDINS220 protein (p.Ser1361Leu). This variant is present in population databases (no rsID available, gnomAD no frequency). This variant has not been reported in the literature in individuals affected with KIDINS220-related conditions. Algorithms developed to predict the effect of missense changes on protein structure and function are either unavailable or do not agree on the potential impact of this missense change (SIFT: "Tolerated"; PolyPhen-2: "Possibly Damaging"; Align-GVGD: "Class C0"). In summary, the available evidence is currently insufficient to determine the role of this variant in disease. Therefore, it has been classified as a Variant of Uncertain Significance.

PreventionGenetics, part of Exact Sciences
Classification: Uncertain significance for KIDINS220-related condition. Last evaluated: 2024-05-18. Review status: no assertion criteria provided. Collection method: clinical testing. Allele origin: germline. Not counted in ClinVar's aggregate classification.
Comment: The KIDINS220 c.4082C>T variant is predicted to result in the amino acid substitution p.Ser1361Leu. To our knowledge, this variant has not been reported in the literature. This variant is reported in 0.00092% of alleles in individuals of European (Non-Finnish) descent in gnomAD. At this time, the clinical significance of this variant is uncertain due to the absence of conclusive functional and genetic evidence.